The following is an entry in ClinVar:

NM_002471.4(MYH6):c.4781G>A (p.Arg1594Gln)

Genes: MYH6 (myosin heavy chain 6; minus strand), LOC126861896 (BRD4-independent group 4 enhancer GRCh37_chr14:23854904-23856103; plus strand). Cytogenetic location: 14q11.2.
Variant type: single nucleotide variant.
Coding change: c.4781G>A on transcript NM_002471.4 (MANE Select); coding-DNA position 4781, G replaced by A.
Protein change: p.Arg1594Gln; replaces arginine 1594 with glutamine.
Molecular consequence: missense variant.
Genome position (GRCh38, 1-based): chr14:23,386,493, C>T on the plus strand (G>A on the coding strand, the complement: MYH6 is on the minus strand). VCF-style: chr14-23386493-C-T. GRCh37 (hg19) VCF-style: chr14-23855702-C-T.
Other names: p.Arg1594Gln; short protein forms R1594Q.
Identifiers: ClinVar variation 1211564 (VCV001211564.19), dbSNP rs146095234, ClinGen allele CA7114640.
Genomic context (GRCh38, chr14:23,386,493, plus strand): 5'-AGGACCTCGTTGCGGCTGCGTGTCTCTGCATCCAGGGAGGTCTGCAGCGAGTCCACCACC[C>T]GCTGGTGGTTGCGCTTGGCCTGTTCCATCTCCTCGTCCTTCTCTGCCAGCTTCCGCTCGA-3'
Protein context (NP_002462.2, residues 1584-1604): EMEQAKRNHQ[Arg1594Gln]VVDSLQTSLD

ClinVar aggregate classification (germline): Uncertain significance. Review status: criteria provided, multiple submitters, no conflicts (2 of 4 stars). 6 submissions from 6 submitters: Uncertain significance (6). Last evaluated 2026-01-24.

Conditions:
Cardiovascular phenotype. Identifiers: MedGen CN230736.
Hypertrophic cardiomyopathy 14. Identifiers: MedGen C2750467, MONDO:0013197, OMIM 613251.

Allele frequency attached by ClinVar (database versions not stated): gnomAD exomes 0.00001 and 0.00002; ESP Exome Variant Server 0.00008; ExAC 0.00002.
gnomAD v4.1: 27 of 1,614,192 alleles (0.0017%); highest among the groups gnomAD compares: Middle Eastern, 0.033%; no homozygotes.

Submissions (6):

Dasa
Classification: Uncertain significance. Last evaluated: 2026-01-24. Review status: criteria provided, single submitter. Criteria: DASA Assertion Criteria. Collection method: clinical testing. Allele origin: germline.
Comment: NM_002471.4(MYH6):c.4781G>A (p.Arg1594Gln) is a missense variant that results in the substitution of arginine with glutamine. This variant is rare in population databases. Computational prediction algorithms are consistent with a deleterious effect. The currently available literature and clinical evidence are not sufficient to establish a definitive association between this variant and the reported condition. Therefore, this variant is classified as a variant of uncertain significance.

Labcorp Genetics (formerly Invitae), Labcorp
Classification: Uncertain significance for Hypertrophic cardiomyopathy 14. Last evaluated: 2025-10-13. Review status: criteria provided, single submitter. Criteria: Invitae Variant Classification Sherloc (09022015). Collection method: clinical testing. Allele origin: germline.
Comment: This sequence change replaces arginine, which is basic and polar, with glutamine, which is neutral and polar, at codon 1594 of the MYH6 protein (p.Arg1594Gln). This variant is present in population databases (rs146095234, gnomAD 0.007%). This variant has not been reported in the literature in individuals affected with MYH6-related conditions. ClinVar contains an entry for this variant (Variation ID: 1211564). Invitae Evidence Modeling of protein sequence and biophysical properties (such as structural, functional, and spatial information, amino acid conservation, physicochemical variation, residue mobility, and thermodynamic stability) indicates that this missense variant is not expected to disrupt MYH6 protein function with a negative predictive value of 80%. In summary, the available evidence is currently insufficient to determine the role of this variant in disease. Therefore, it has been classified as a Variant of Uncertain Significance.

Ambry Genetics
Classification: Uncertain significance for Cardiovascular phenotype. Last evaluated: 2025-03-21. Review status: criteria provided, single submitter. Criteria: Ambry Variant Classification Scheme 2023. Collection method: clinical testing. Allele origin: germline.

Women's Health and Genetics/Laboratory Corporation of America, LabCorp
Classification: Uncertain significance. Last evaluated: 2024-09-30. Review status: criteria provided, single submitter. Criteria: LabCorp Variant Classification Summary - May 2015. Collection method: clinical testing. Allele origin: germline.
Comment: Variant summary: MYH6 c.4781G>A (p.Arg1594Gln) results in a conservative amino acid change located in the Myosin tail domain (IPR002928) of the encoded protein sequence. Three of five in-silico tools predict a damaging effect of the variant on protein function. The variant allele was found at a frequency of 1.2e-05 in 251478 control chromosomes, predominantly at a frequency of 6.2e-05 within the African or African-American subpopulation in the gnomAD database. The available data on variant occurrences in the general population are insufficient to allow any conclusion about variant significance. To our knowledge, no occurrence of c.4781G>A in individuals affected with Cardiomyopathy and no experimental evidence demonstrating its impact on protein function have been reported. ClinVar contains an entry for this variant (Variation ID: 1211564). Based on the evidence outlined above, the variant was classified as uncertain significance.

Mayo Clinic Laboratories, Mayo Clinic
Classification: Uncertain significance. Last evaluated: 2022-10-25. Review status: criteria provided, single submitter. Criteria: ACMG Guidelines, 2015. Collection method: clinical testing. Allele origin: germline. Observed: 1 variant allele.

GeneDx
Classification: Uncertain significance. Last evaluated: 2019-07-25. Review status: criteria provided, single submitter. Criteria: GeneDx Variant Classification Process June 2021. Collection method: clinical testing. Allele origin: germline. Affected: yes.
Comment: Has not been previously published as pathogenic or benign to our knowledge; Not observed at a significant frequency in large population cohorts (Lek et al., 2016); In silico analysis, which includes protein predictors and evolutionary conservation, supports a deleterious effect